The following is an entry in ClinVar:

ClinVar aggregate classification (germline): Uncertain significance (1 of 4 stars; one submission).

Submission:

Labcorp Genetics (formerly Invitae), Labcorp
Classification: Uncertain significance. Last evaluated: 2024-10-25. Review status: criteria provided, single submitter. Criteria: Invitae Variant Classification Sherloc (09022015). Collection method: clinical testing. Allele origin: germline.
Comment: This sequence change replaces serine, which is neutral and polar, with isoleucine, which is neutral and non-polar, at codon 855 of the GPR179 protein (p.Ser855Ile). This variant is not present in population databases (gnomAD no frequency). This variant has not been reported in the literature in individuals affected with GPR179-related conditions. ClinVar contains an entry for this variant (Variation ID: 2108839). An algorithm developed to predict the effect of missense changes on protein structure and function (PolyPhen-2) suggests that this variant is likely to be disruptive. In summary, the available evidence is currently insufficient to determine the role of this variant in disease. Therefore, it has been classified as a Variant of Uncertain Significance.

NM_001004334.4(GPR179):c.2564G>T (p.Ser855Ile)

Gene: GPR179 (G protein-coupled receptor 179; minus strand). Cytogenetic location: 17q12.
Variant type: single nucleotide variant.
Coding change: c.2564G>T on transcript NM_001004334.4 (MANE Select); coding-DNA position 2564, G replaced by T.
Protein change: p.Ser855Ile; replaces serine 855 with isoleucine.
Molecular consequence: missense variant.
Genome position (GRCh38, 1-based): chr17:38,331,005, C>A on the plus strand (G>T on the coding strand, the complement: GPR179 is on the minus strand). VCF-style: chr17-38331005-C-A. GRCh37 (hg19) VCF-style: chr17-36486888-C-A.
Other names: short protein forms S855I.
Identifiers: ClinVar variation 2108839 (VCV002108839.4), dbSNP rs2512162521, ClinGen allele CA398882943.